The following is an entry in ClinVar:

ClinVar aggregate classification (germline): Uncertain significance (1 of 4 stars; one submission).

Conditions:
Inborn genetic diseases. Identifiers: MedGen C0950123, MeSH D030342.

Submission:

Ambry Genetics
Classification: Uncertain significance for Inborn genetic diseases. Last evaluated: 2024-06-07. Review status: criteria provided, single submitter. Criteria: Ambry Variant Classification Scheme 2023. Collection method: clinical testing. Allele origin: germline.
Comment: The p.T2174S variant (also known as c.6520A>T), located in coding exon 44 of the LRRK2 gene, results from an A to T substitution at nucleotide position 6520. The threonine at codon 2174 is replaced by serine, an amino acid with similar properties. This amino acid position is conserved. In addition, this alteration is predicted to be tolerated by in silico analysis. Based on the available evidence, the clinical significance of this variant remains unclear.

NM_198578.4(LRRK2):c.6520A>T (p.Thr2174Ser)

Gene: LRRK2 (leucine rich repeat kinase 2; plus strand). Cytogenetic location: 12q12.
Variant type: single nucleotide variant.
Coding change: c.6520A>T on transcript NM_198578.4 (MANE Select); coding-DNA position 6520, A replaced by T.
Protein change: p.Thr2174Ser; replaces threonine 2174 with serine.
Molecular consequence: missense variant.
Genome position (GRCh38, 1-based): chr12:40,351,677, A>T. VCF-style: chr12-40351677-A-T. GRCh37 (hg19) VCF-style: chr12-40745479-A-T.
Other names: short protein forms T2174S.
Identifiers: ClinVar variation 3292057 (VCV003292057.1).